The following is an entry in ClinVar:

NM_152490.5(B3GALNT2):c.290A>G (p.His97Arg)

Gene: B3GALNT2 (beta-1,3-N-acetylgalactosaminyltransferase 2; minus strand). Cytogenetic location: 1q42.3.
Variant type: single nucleotide variant.
Coding change: c.290A>G on transcript NM_152490.5 (MANE Select); coding-DNA position 290, A replaced by G.
Protein change: p.His97Arg; replaces histidine 97 with arginine.
Molecular consequence: missense variant.
Genome position (GRCh38, 1-based): chr1:235,489,239, T>C on the plus strand (A>G on the coding strand, the complement: B3GALNT2 is on the minus strand). VCF-style: chr1-235489239-T-C. GRCh37 (hg19) VCF-style: chr1-235652544-T-C.
Other names: c.413A>G, p.His138Arg (NM_001277155.3); short protein forms H138R, H97R.
Identifiers: ClinVar variation 2153976 (VCV002153976.4), dbSNP rs2527342141, ClinGen allele CA344928611.

ClinVar aggregate classification (germline): Uncertain significance (1 of 4 stars; one submission).

Conditions:
Muscular dystrophy-dystroglycanopathy (congenital with brain and eye anomalies), type a, 11 (MDDGA11). Also called: WALKER-WARBURG SYNDROME OR MUSCLE-EYE-BRAIN DISEASE, B3GALNT2-RELATED; Congenital muscular dystrophy-dystroglycanopathy with brain and eye anomalies, type A11; Muscular dystrophy-dystroglycanopathy (congenital with brain and eye anomalies, type A, 11. Identifiers: Orphanet 588, Orphanet 899, MedGen C3554638, MONDO:0014071, OMIM 615181.

Submission:

Labcorp Genetics (formerly Invitae), Labcorp
Classification: Uncertain significance for Muscular dystrophy-dystroglycanopathy (congenital with brain and eye anomalies), type a, 11. Last evaluated: 2024-02-24. Review status: criteria provided, single submitter. Criteria: Invitae Variant Classification Sherloc (09022015). Collection method: clinical testing. Allele origin: germline.
Comment: This sequence change replaces histidine, which is basic and polar, with arginine, which is basic and polar, at codon 97 of the B3GALNT2 protein (p.His97Arg). This variant is not present in population databases (gnomAD no frequency). This variant has not been reported in the literature in individuals affected with B3GALNT2-related conditions. ClinVar contains an entry for this variant (Variation ID: 2153976). Advanced modeling of protein sequence and biophysical properties (such as structural, functional, and spatial information, amino acid conservation, physicochemical variation, residue mobility, and thermodynamic stability) performed at Invitae indicates that this missense variant is not expected to disrupt B3GALNT2 protein function with a negative predictive value of 80%. In summary, the available evidence is currently insufficient to determine the role of this variant in disease. Therefore, it has been classified as a Variant of Uncertain Significance.